The following is an entry in ClinVar:

NM_033028.5(BBS4):c.712-1G>A

Gene: BBS4 (Bardet-Biedl syndrome 4; plus strand). Cytogenetic location: 15q24.1.
Variant type: single nucleotide variant.
Coding change: c.712-1G>A on transcript NM_033028.5 (MANE Select); the canonical splice acceptor site of the intron before coding-DNA position 712, G replaced by A.
Molecular consequence: splice acceptor variant.
Genome position (GRCh38, 1-based): chr15:72,731,304, G>A. VCF-style: chr15-72731304-G-A. GRCh37 (hg19) VCF-style: chr15-73023645-G-A.
Other names: c.643-1G>A (NM_001320665.2); c.196-1G>A (NM_001252678.2).
Identifiers: ClinVar variation 236484 (VCV000236484.28), dbSNP rs377031435, ClinGen allele CA7646750.

ClinVar aggregate classification (germline): Pathogenic/Likely pathogenic. Review status: criteria provided, multiple submitters, no conflicts (2 of 4 stars). 9 submissions from 9 submitters: Pathogenic (5); Likely pathogenic (1). 3 of the submissions do not count toward it. Last evaluated 2026-10-16.

Conditions:
BBS4-related disorder. Also called: BBS4-related condition.
Retinal dystrophy. Also called: Inherited retinal dystrophy. Identifiers: Orphanet 71862, MedGen C0854723, MeSH D058499, MONDO:0019118, HP:0000556.
Bardet-Biedl syndrome 4 (BBS4). Identifiers: Orphanet 110, MedGen C2936864, MONDO:0014433, OMIM 615982.
Bardet-Biedl syndrome (BBS). Identifiers: Orphanet 110, MedGen C0752166, MONDO:0015229.
Early onset severe obesity. Identifiers: MedGen C4013980.

Allele frequency attached by ClinVar (database versions not stated): ExAC 0.00001; gnomAD exomes 0.00002 and 0.00005; TOPMed 0.00002; gnomAD 0.00003; ESP Exome Variant Server 0.00008.
gnomAD v4.1: 82 of 1,613,850 alleles (0.0051%); highest among the groups gnomAD compares: Non-Finnish European, 0.0067%; no homozygotes.

Submissions (9):

Cambridge Genomics Laboratory, East Genomic Laboratory Hub, NHS Genomic Medicine Service
Classification: Pathogenic for Severe early-onset obesity. Last evaluated: 2026-10-16. Review status: criteria provided, single submitter. Criteria: ACGS Best Practice Guidelines for Variant Classification in Rare Disease 2020. Collection method: clinical testing. Allele origin: germline. Affected: yes.
Comment: PVS1,PM2

Labcorp Genetics (formerly Invitae), Labcorp
Classification: Pathogenic for Bardet-Biedl syndrome. Last evaluated: 2025-12-29. Review status: criteria provided, single submitter. Criteria: Invitae Variant Classification Sherloc (09022015). Collection method: clinical testing. Allele origin: germline.
Comment: This sequence change affects an acceptor splice site in intron 10 of the BBS4 gene. It is expected to disrupt RNA splicing. Variants that disrupt the donor or acceptor splice site typically lead to a loss of protein function (PMID: 16199547), and loss-of-function variants in BBS4 are known to be pathogenic (PMID: 11381270, 12016587, 20177705, 26355662, 27894351). This variant is present in population databases (rs377031435, gnomAD 0.004%). Disruption of this splice site has been observed in individual(s) with Bardet-Biedl syndrome (PMID: 27208204; internal data). In at least one individual the data is consistent with being in trans (on the opposite chromosome) from a pathogenic variant. ClinVar contains an entry for this variant (Variation ID: 236484). Algorithms developed to predict the effect of sequence changes on RNA splicing suggest that this variant may disrupt the consensus splice site. For these reasons, this variant has been classified as Pathogenic.

Blueprint Genetics
Classification: Pathogenic for BBS4-related disorders. Last evaluated: 2024-05-06. Review status: criteria provided, single submitter. Criteria: ACMG Guidelines, 2015. Collection method: clinical testing. Allele origin: germline. Affected: yes. Observed: 2 variant alleles.

Baylor Genetics
Classification: Pathogenic for Bardet-Biedl syndrome 4. Last evaluated: 2024-02-15. Review status: criteria provided, single submitter. Criteria: ACMG Guidelines, 2015. Collection method: clinical testing. Allele origin: unknown.

Fulgent Genetics
Classification: Pathogenic for Bardet-Biedl syndrome 4. Last evaluated: 2024-01-22. Review status: criteria provided, single submitter. Criteria: ACMG Guidelines, 2015. Collection method: clinical testing. Allele origin: germline.

Women's Health and Genetics/Laboratory Corporation of America, LabCorp
Classification: Likely pathogenic for Bardet-Biedl syndrome. Last evaluated: 2023-01-04. Review status: criteria provided, single submitter. Criteria: LabCorp Variant Classification Summary - May 2015. Collection method: clinical testing. Allele origin: germline.
Comment: Variant summary: BBS4 c.712-1G>A is located in a canonical splice-site and is predicted to affect mRNA splicing resulting in a significantly altered protein due to either exon skipping, shortening, or inclusion of intronic material. Several computational tools predict a significant impact on normal splicing: Three predict the variant weakens the canonical 3' acceptor site and one predicts the variant abolishes the 3' acceptor site. However, these predictions have yet to be confirmed by functional studies. The variant allele was found at a frequency of 1.6e-05 in 251474 control chromosomes (gnomAD). c.712-1G>A has been reported in the literature in at least one homozygous individual affected with retinal disease with clinical indications of Bardet-Biedl Syndrome (Ellingford_2016). These data indicate that the variant may be associated with disease. To our knowledge, no experimental evidence demonstrating an impact on protein function has been reported. Two clinical diagnostic laboratories have submitted clinical-significance assessments for this variant to ClinVar after 2014. One laboratory classified the variant as pathogenic, and one laboratory classified the variant as uncertain significance. Based on the evidence outlined above, the variant was classified as likely pathogenic.

PreventionGenetics, part of Exact Sciences
Classification: Pathogenic for BBS4-related condition. Last evaluated: 2024-08-19. Review status: no assertion criteria provided. Collection method: clinical testing. Allele origin: germline. Not counted in ClinVar's aggregate classification.
Comment: The BBS4 c.712-1G>A variant is predicted to disrupt the AG splice acceptor site and interfere with normal splicing. This variant has been reported to be pathogenic for Bardet-Biedl syndrome (see for example, Supp. Table S5 of Ellingford et al. 2016. PubMed ID: 27208204). This variant is reported in 0.0046% of alleles in individuals of European (Non-Finnish) descent in gnomAD. Variants that disrupt the consensus splice acceptor site in BBS4 are expected to be pathogenic. This variant is interpreted as pathogenic.

Centre for Genomic Medicine, Manchester, Central Manchester University Hospitals
Classification: Uncertain significance for Retinal dystrophy. Review status: no assertion criteria provided. Collection method: clinical testing. Allele origin: germline. Affected: yes. Not counted in ClinVar's aggregate classification.

Genomics England Pilot Project, Genomics England
Classification: Likely pathogenic for Bardet-Biedl syndrome 4. Review status: no assertion criteria provided. Criteria: ACGS Guidelines, 2016. Collection method: clinical testing. Allele origin: germline. Affected: yes. Not counted in ClinVar's aggregate classification.

Literature cited by the submitters: PubMed 16199547 (cited by Labcorp Genetics (formerly Invitae), Labcorp); PubMed 11381270 (cited by Labcorp Genetics (formerly Invitae), Labcorp); PubMed 12016587 (cited by Labcorp Genetics (formerly Invitae), Labcorp); PubMed 20177705 (cited by Labcorp Genetics (formerly Invitae), Labcorp); PubMed 26355662 (cited by Labcorp Genetics (formerly Invitae), Labcorp); PubMed 27894351 (cited by Labcorp Genetics (formerly Invitae), Labcorp); PubMed 27208204 (cited by Labcorp Genetics (formerly Invitae), Labcorp and Women's Health and Genetics/Laboratory Corporation of America, LabCorp).